The following is an entry in ClinVar:

NM_001370100.5(ZMYND11):c.810C>A (p.Asp270Glu)

Gene: ZMYND11 (zinc finger MYND-type containing 11; plus strand). Cytogenetic location: 10p15.3.
Variant type: single nucleotide variant.
Coding change: c.810C>A on transcript NM_001370100.5 (MANE Select); coding-DNA position 810, C replaced by A.
Protein change: p.Asp270Glu; replaces aspartic acid 270 with glutamic acid.
Molecular consequence: missense variant. On other transcripts: non-coding transcript variant (1), intron variant (1).
Genome position (GRCh38, 1-based): chr10:240,949, C>A. VCF-style: chr10-240949-C-A. GRCh37 (hg19) VCF-style: chr10-286889-C-A.
Other names: c.648C>A, p.Asp216Glu (NM_001370109.2, NM_001202464.3, NM_001202467.1 and 6 more transcripts); c.555C>A, p.Asp185Glu (NM_001370110.2, NM_001202465.3); c.645C>A, p.Asp215Glu (NM_001370111.2, NM_001202466.3); c.759C>A, p.Asp253Glu (NM_001370112.2, NM_001330057.3); c.717C>A, p.Asp239Glu (NM_001370113.2, NM_001370114.2); c.807C>A, p.Asp269Glu (NM_001370115.2, NM_212479.4); c.744C>A, p.Asp248Glu (NM_001370116.2); c.810C>A, p.Asp270Glu (NM_001370117.2, NM_001161482.1, NM_001202468.1 and 6 more transcripts); and 8 more; short protein forms D113E, D151E, D230E, D253E, D269E, D185E, D248E, D176E.
Identifiers: ClinVar variation 2074880 (VCV002074880.7), dbSNP rs186355291, ClinGen allele CA5379062.

ClinVar aggregate classification (germline): Likely benign. Review status: criteria provided, multiple submitters, no conflicts (2 of 4 stars). 3 submissions from 3 submitters: Likely benign (3). Last evaluated 2026-07-01.

Conditions:
Inborn genetic diseases. Identifiers: MedGen C0950123, MeSH D030342.

Allele frequency attached by ClinVar (database versions not stated): gnomAD 0.00003; gnomAD exomes 0.00007; ExAC 0.00012; 1000 Genomes Project 30x 0.00016; 1000 Genomes Project 0.00020.

Submissions (3):

CeGaT Center for Human Genetics Tuebingen
Classification: Likely benign. Last evaluated: 2026-07-01. Review status: criteria provided, single submitter. Criteria: CeGaT Center For Human Genetics Tuebingen Variant Classification Criteria Version 2. Collection method: clinical testing. Allele origin: germline. Affected: yes. Observed: 1 variant allele.
Comment: ZMYND11: PP2, BS1

Labcorp Genetics (formerly Invitae), Labcorp
Classification: Likely benign. Last evaluated: 2025-02-24. Review status: criteria provided, single submitter. Criteria: Invitae Variant Classification Sherloc (09022015). Collection method: clinical testing. Allele origin: germline.

Ambry Genetics
Classification: Likely benign for Inborn genetic diseases. Last evaluated: 2022-01-26. Review status: criteria provided, single submitter. Criteria: Ambry Variant Classification Scheme 2023. Collection method: clinical testing. Allele origin: germline.